The following is an entry in ClinVar:

NM_022765.4(MICAL1):c.904T>G (p.Cys302Gly)

Gene: MICAL1 (microtubule associated monooxygenase, calponin and LIM domain containing 1; minus strand). Cytogenetic location: 6q21.
Variant type: single nucleotide variant.
Coding change: c.904T>G on transcript NM_022765.4 (MANE Select); coding-DNA position 904, T replaced by G.
Protein change: p.Cys302Gly; replaces cysteine 302 with glycine.
Molecular consequence: missense variant.
Genome position (GRCh38, 1-based): chr6:109,451,629, A>C on the plus strand (T>G on the coding strand, the complement: MICAL1 is on the minus strand). VCF-style: chr6-109451629-A-C. GRCh37 (hg19) VCF-style: chr6-109772832-A-C.
Other names: c.904T>G, p.Cys302Gly (NM_001159291.2); c.961T>G, p.Cys321Gly (NM_001286613.2); short protein forms C302G, C321G.
Identifiers: ClinVar variation 3656227 (VCV003656227.2).

ClinVar aggregate classification (germline): Uncertain significance (1 of 4 stars; one submission).

Submission:

Labcorp Genetics (formerly Invitae), Labcorp
Classification: Uncertain significance. Last evaluated: 2024-06-11. Review status: criteria provided, single submitter. Criteria: Invitae Variant Classification Sherloc (09022015). Collection method: clinical testing. Allele origin: germline.
Comment: This sequence change replaces cysteine, which is neutral and slightly polar, with glycine, which is neutral and non-polar, at codon 321 of the MICAL1 protein (p.Cys321Gly). This variant is not present in population databases (gnomAD no frequency). This variant has not been reported in the literature in individuals affected with MICAL1-related conditions. An algorithm developed to predict the effect of missense changes on protein structure and function (PolyPhen-2) suggests that this variant is likely to be disruptive. In summary, the available evidence is currently insufficient to determine the role of this variant in disease. Therefore, it has been classified as a Variant of Uncertain Significance.